The following is an entry in ClinVar:

ClinVar aggregate classification (germline): Uncertain significance (1 of 4 stars; one submission).

Submission:

GeneDx
Classification: Uncertain significance. Last evaluated: 2025-06-24. Review status: criteria provided, single submitter. Criteria: GeneDx Variant Classification Process June 2021. Collection method: clinical testing. Allele origin: germline. Affected: yes.
Comment: Not observed at significant frequency in large population cohorts (gnomAD); In silico analysis suggests that this missense variant does not alter protein structure/function; Has not been previously published as pathogenic or benign to our knowledge

NM_001029896.2(WDR45):c.592G>A (p.Val198Met)

Gene: WDR45 (WD repeat domain 45; minus strand). Cytogenetic location: Xp11.23.
Variant type: single nucleotide variant.
Coding change: c.592G>A on transcript NM_001029896.2 (MANE Select); coding-DNA position 592, G replaced by A.
Protein change: p.Val198Met; replaces valine 198 with methionine.
Molecular consequence: missense variant.
Genome position (GRCh38, 1-based): chrX:49,075,678, C>T on the plus strand (G>A on the coding strand, the complement: WDR45 is on the minus strand). VCF-style: chrX-49075678-C-T. GRCh37 (hg19) VCF-style: chrX-48933337-C-T.
Other names: c.595G>A, p.Val199Met (NM_007075.4); short protein forms V198M, V199M.
Identifiers: ClinVar variation 4540389 (VCV004540389.1).